The following is an entry in ClinVar:

ClinVar aggregate classification (germline): not provided (0 of 4 stars; one submission).

Allele frequency attached by ClinVar (database versions not stated): TOPMed 0.00002.
gnomAD v4.1: 39 of 1,530,752 alleles (0.0025%); highest among the groups gnomAD compares: African/African-American, 0.0096%; no homozygotes.

Submission:

Human Evolutionary Genetics, Institut Pasteur
No classification provided. Review status: no classification provided. Collection method: not provided. Allele origin: germline.
ClinVar note: Converted during submission from untested to not provided.

NM_176810.2(NLRP13):c.2282+34C>A

Gene: NLRP13 (NLR family pyrin domain containing 13; minus strand). Cytogenetic location: 19q13.43.
Variant type: single nucleotide variant.
Coding change: c.2282+34C>A on transcript NM_176810.2 (MANE Select); 34 bases into the intron after coding-DNA position 2282, C replaced by A.
Molecular consequence: intron variant.
Genome position (GRCh38, 1-based): chr19:55,910,529, G>T on the plus strand (C>A on the coding strand, the complement: NLRP13 is on the minus strand). VCF-style: chr19-55910529-G-T. GRCh37 (hg19) VCF-style: chr19-56421895-G-T.
Other names: c.2282+34C>A (NM_001321057.1).
Identifiers: ClinVar variation 103309 (VCV000103309.2), dbSNP rs199476255, ClinGen allele CA230397.